The following is an entry in ClinVar:

ClinVar aggregate classification (germline): Conflicting classifications of pathogenicity. Review status: criteria provided, conflicting classifications (1 of 4 stars). 4 submissions from 4 submitters: Uncertain significance (3); Likely benign (1). Last evaluated 2026-01-26.

Conditions:
Inborn genetic diseases. Identifiers: MedGen C0950123, MeSH D030342.
Dyskeratosis congenita. Identifiers: Orphanet 1775, MedGen C0265965, MONDO:0015780.

Allele frequency attached by ClinVar (database versions not stated): ExAC 0.00014; TOPMed 0.00028; gnomAD 0.00029 and 0.00032; ESP Exome Variant Server 0.00033.
gnomAD v4.1: 102 of 1,535,430 alleles (0.0066%); highest among the groups gnomAD compares: African/African-American, 0.097%; no homozygotes.

Submissions (4):

Labcorp Genetics (formerly Invitae), Labcorp
Classification: Likely benign for Dyskeratosis congenita. Last evaluated: 2026-01-26. Review status: criteria provided, single submitter. Criteria: Invitae Variant Classification Sherloc (09022015). Collection method: clinical testing. Allele origin: germline.

GeneDx
Classification: Uncertain significance. Last evaluated: 2025-08-12. Review status: criteria provided, single submitter. Criteria: GeneDx Variant Classification Process June 2021. Collection method: clinical testing. Allele origin: germline. Affected: yes.
Comment: In silico analysis supports that this missense variant has a deleterious effect on protein structure/function; Has not been previously published as pathogenic or benign to our knowledge

Blueprint Genetics
Classification: Uncertain significance. Last evaluated: 2023-08-28. Review status: criteria provided, single submitter. Criteria: ACMG Guidelines, 2015. Collection method: clinical testing. Allele origin: germline.

Ambry Genetics
Classification: Uncertain significance for Inborn genetic diseases. Last evaluated: 2022-02-25. Review status: criteria provided, single submitter. Criteria: Ambry Variant Classification Scheme 2023. Collection method: clinical testing. Allele origin: germline.

NM_025099.6(CTC1):c.2174C>G (p.Pro725Arg)

Gene: CTC1 (CST telomere replication complex component 1; minus strand). Cytogenetic location: 17p13.1.
Variant type: single nucleotide variant.
Coding change: c.2174C>G on transcript NM_025099.6 (MANE Select); coding-DNA position 2174, C replaced by G.
Protein change: p.Pro725Arg; replaces proline 725 with arginine.
Molecular consequence: missense variant. On other transcripts: non-coding transcript variant (1).
Genome position (GRCh38, 1-based): chr17:8,232,114, G>C on the plus strand (C>G on the coding strand, the complement: CTC1 is on the minus strand). VCF-style: chr17-8232114-G-C. GRCh37 (hg19) VCF-style: chr17-8135432-G-C.
Other names: short protein forms P725R.
Identifiers: ClinVar variation 948800 (VCV000948800.12), dbSNP rs371046424, ClinGen allele CA8372145.